The following is an entry in ClinVar:

NM_133510.4(RAD51B):c.267_283del (p.Leu90fs)

Gene: RAD51B (RAD51 paralog B; plus strand). Cytogenetic location: 14q24.1.
Variant type: Deletion.
Coding change: c.267_283del on transcript NM_133510.4 (MANE Select); coding-DNA positions 267 to 283, 17 bases deleted (TTTGGACGAAGCCCTGC).
Protein change: p.Leu90fs; shifts the reading frame from leucine 90.
Molecular consequence: frameshift variant. On other transcripts: 5 prime UTR variant (1).
Genome position (GRCh38, 1-based): chr14:67,835,148-67,835,164, TTTGGACGAAGCCCTGC deleted; deleting any 17 consecutive bases within chr14:67,835,144-67,835,164 gives the same sequence; the c. name uses the placement nearest the transcript's 3' end. VCF-style (leftmost placement, unchanged base first): chr14-67835143-TCTGCTTTGGACGAAGCC-T. GRCh37 (hg19) VCF-style: chr14-68301860-TCTGCTTTGGACGAAGCC-T.
Other names: c.267_283del, p.Leu90fs (NM_001321809.2, NM_001321810.2, NM_001321812.1 and 6 more transcripts); c.153_169del, p.Leu52fs (NM_001321815.1); c.-189_-173del (NM_001321817.2); short protein forms L52fs, L90fs.
Identifiers: ClinVar variation 4149817 (VCV004149817.1).

ClinVar aggregate classification (germline): Uncertain significance (1 of 4 stars; one submission).

Submission:

Ambry Genetics
Classification: Uncertain significance. Last evaluated: 2025-07-01. Review status: criteria provided, single submitter. Criteria: Ambry Variant Classification Scheme 2023. Collection method: clinical testing. Allele origin: germline.
Comment: The c.267_283del17 variant, located in coding exon 3 of the RAD51B gene, results from a deletion of 17 nucleotides at nucleotide positions 267 to 283, causing a translational frameshift with a predicted alternate stop codon (p.L90Wfs*47). This alteration is expected to result in loss of function by premature protein truncation or nonsense-mediated mRNA decay. The evidence for this gene-disease relationship is limited; therefore, the clinical significance of this alteration is unclear.